The following is an entry in ClinVar:

ClinVar aggregate classification (germline): Uncertain significance (1 of 4 stars; one submission).

Submission:

GeneDx
Classification: Uncertain significance. Last evaluated: 2022-03-04. Review status: criteria provided, single submitter. Criteria: GeneDx Variant Classification Process June 2021. Collection method: clinical testing. Allele origin: germline. Affected: yes.
Comment: Not observed at significant frequency in large population cohorts (gnomAD); In silico analysis supports that this missense variant has a deleterious effect on protein structure/function; Has not been previously published as pathogenic or benign to our knowledge

NM_001283009.2(RTEL1):c.146C>G (p.Thr49Arg)

Genes: RTEL1 (regulator of telomere elongation helicase 1; plus strand), RTEL1-TNFRSF6B (RTEL1-TNFRSF6B readthrough (NMD candidate); plus strand). Cytogenetic location: 20q13.33.
Variant type: single nucleotide variant.
Coding change: c.146C>G on transcript NM_001283009.2 (MANE Select); coding-DNA position 146, C replaced by G.
Protein change: p.Thr49Arg; replaces threonine 49 with arginine.
Molecular consequence: missense variant. On other transcripts: non-coding transcript variant (1), 5 prime UTR variant (1).
Genome position (GRCh38, 1-based): chr20:63,661,341, C>G. VCF-style: chr20-63661341-C-G. GRCh37 (hg19) VCF-style: chr20-62292694-C-G.
Other names: c.-524C>G (NM_001283010.1); c.146C>G, p.Thr49Arg (NM_016434.4, NM_032957.5); short protein forms T49R.
Identifiers: ClinVar variation 1703915 (VCV001703915.2), dbSNP rs1163455875, ClinGen allele CA409657798.